The following is an entry in ClinVar:

ClinVar aggregate classification (germline): Likely pathogenic. Review status: criteria provided, multiple submitters, no conflicts (2 of 4 stars). 3 submissions from 3 submitters: Likely pathogenic (3). Last evaluated 2025-11-27.

Conditions:
Cardiovascular phenotype. Identifiers: MedGen CN230736.
Hereditary cancer-predisposing syndrome. Also called: Neoplastic Syndromes, Hereditary; Tumor predisposition; Hereditary Cancer Syndrome; Hereditary neoplastic syndrome. Identifiers: Orphanet 140162, MedGen C0027672, MeSH D009386, MONDO:0015356.
LZTR1-related schwannomatosis. Also called: Schwannomatosis-2, susceptibility to; Schwannomatosis 2. Identifiers: Orphanet 93921, MedGen C3810283, MONDO:0014299, OMIM 615670.

Allele frequency attached by ClinVar (database versions not stated): TOPMed 0.00001.
gnomAD v4.1: 5 of 1,608,890 alleles (0.00031%); highest among the groups gnomAD compares: Non-Finnish European, 0.00042%; no homozygotes.

Submissions (3):

Labcorp Genetics (formerly Invitae), Labcorp
Classification: Likely pathogenic. Last evaluated: 2025-11-27. Review status: criteria provided, single submitter. Criteria: Invitae Variant Classification Sherloc (09022015). Collection method: clinical testing. Allele origin: germline.
Comment: This sequence change affects an acceptor splice site in intron 14 of the LZTR1 gene. It is expected to disrupt RNA splicing. Variants that disrupt the donor or acceptor splice site typically lead to a loss of protein function (PMID: 16199547), and loss-of-function variants in LZTR1 are known to be pathogenic (PMID: 24362817, 25335493, 25480913, 25795793, 29469822, 30368668, 30442762, 30442766, 30481304, 30859559). This variant is not present in population databases (gnomAD no frequency). Disruption of this splice site has been observed in individual(s) with LZTR1-related conditions (internal data). ClinVar contains an entry for this variant (Variation ID: 1776483). Algorithms developed to predict the effect of sequence changes on RNA splicing suggest that this variant may disrupt the consensus splice site. In summary, the currently available evidence indicates that the variant is pathogenic, but additional data are needed to prove that conclusively. Therefore, this variant has been classified as Likely Pathogenic.

Ambry Genetics
Classification: Likely pathogenic for Cardiovascular phenotype; Hereditary cancer-predisposing syndrome. Last evaluated: 2024-09-24. Review status: criteria provided, single submitter. Criteria: Ambry Variant Classification Scheme 2023. Collection method: clinical testing. Allele origin: germline.
Comment: The c.1616-1G>A intronic variant results from a G to A substitution one nucleotide upstream from coding exon 15 of the LZTR1 gene. Alterations that disrupt the canonical splice site are expected to cause aberrant splicing, resulting in an abnormal protein or a transcript that is subject to nonsense-mediated mRNA decay. In silico splice site analysis predicts that this alteration will weaken the native splice acceptor site; however, direct evidence is insufficient at this time (Ambry internal data). This nucleotide position is highly conserved in available vertebrate species. Loss-of-function variants in LZTR1 are related to an increased risk for schwannomas and autosomal recessive Noonan syndrome; however, such associations with autosomal dominant Noonan syndrome have not been observed (Piotrowski A et al. Nat Genet. 2014 Feb;46:182-7; Yamamoto GL et al. J Med Genet. 2015 Jun;52:413-21; Johnston JJ et al. Genet Med. 2018 10;20:1175-1185). Based on the supporting evidence, this variant is likely pathogenic for an increased risk of LZTR1-related schwannomatosis (SWN) and would be expected to cause autosomal recessive Noonan syndrome when present along with a second pathogenic or likely pathogenic variant on the other allele; however, the association of this alteration with autosomal dominant Noonan syndrome is unlikely.

Baylor Genetics
Classification: Likely pathogenic for LZTR1-related schwannomatosis. Last evaluated: 2023-10-04. Review status: criteria provided, single submitter. Criteria: ACMG Guidelines, 2015. Collection method: clinical testing. Allele origin: unknown.

Literature cited by the submitters: PubMed 16199547 (cited by Labcorp Genetics (formerly Invitae), Labcorp); PubMed 24362817 (cited by Labcorp Genetics (formerly Invitae), Labcorp); PubMed 25335493 (cited by Labcorp Genetics (formerly Invitae), Labcorp); PubMed 25480913 (cited by Labcorp Genetics (formerly Invitae), Labcorp); PubMed 25795793 (cited by Labcorp Genetics (formerly Invitae), Labcorp); PubMed 29469822 (cited by Labcorp Genetics (formerly Invitae), Labcorp); PubMed 30368668 (cited by Labcorp Genetics (formerly Invitae), Labcorp); PubMed 30442762 (cited by Labcorp Genetics (formerly Invitae), Labcorp); PubMed 30442766 (cited by Labcorp Genetics (formerly Invitae), Labcorp); PubMed 30481304 (cited by Labcorp Genetics (formerly Invitae), Labcorp); PubMed 30859559 (cited by Labcorp Genetics (formerly Invitae), Labcorp).

NM_006767.4(LZTR1):c.1616-1G>A

Gene: LZTR1 (leucine zipper like post translational regulator 1; plus strand). Cytogenetic location: 22q11.21.
Variant type: single nucleotide variant.
Coding change: c.1616-1G>A on transcript NM_006767.4 (MANE Select); the canonical splice acceptor site of the intron before coding-DNA position 1616, G replaced by A.
Molecular consequence: splice acceptor variant.
Genome position (GRCh38, 1-based): chr22:20,994,557, G>A. VCF-style: chr22-20994557-G-A. GRCh37 (hg19) VCF-style: chr22-21348846-G-A.
Identifiers: ClinVar variation 1776483 (VCV001776483.9), dbSNP rs777908919, ClinGen allele CA410776431.